The following is an entry in ClinVar:

ClinVar aggregate classification (germline): Uncertain significance. Review status: criteria provided, multiple submitters, no conflicts (2 of 4 stars). 3 submissions from 3 submitters: Uncertain significance (2). 1 of the submissions does not count toward it. Last evaluated 2023-12-30.

Conditions:
Retinal dystrophy. Also called: Inherited retinal dystrophy. Identifiers: Orphanet 71862, MedGen C0854723, MeSH D058499, MONDO:0019118, HP:0000556.
Inborn genetic diseases. Identifiers: MedGen C0950123, MeSH D030342.

Allele frequency attached by ClinVar (database versions not stated): gnomAD exomes 0.00004 and 0.00005; ExAC 0.00007; ESP Exome Variant Server 0.00008; gnomAD 0.00010 and 0.00011; TOPMed 0.00012; 1000 Genomes Project 30x 0.00016; 1000 Genomes Project 0.00020.
gnomAD v4.1: 80 of 1,613,958 alleles (0.005%); highest among the groups gnomAD compares: Middle Eastern, 0.083%; no homozygotes.

Submissions (3):

Ambry Genetics
Classification: Uncertain significance for Inborn genetic diseases. Last evaluated: 2023-12-30. Review status: criteria provided, single submitter. Criteria: Ambry Variant Classification Scheme 2023. Collection method: clinical testing. Allele origin: germline.

Labcorp Genetics (formerly Invitae), Labcorp
Classification: Uncertain significance. Last evaluated: 2022-10-13. Review status: criteria provided, single submitter. Criteria: Invitae Variant Classification Sherloc (09022015). Collection method: clinical testing. Allele origin: germline.
Comment: This sequence change replaces alanine, which is neutral and non-polar, with threonine, which is neutral and polar, at codon 286 of the TUBGCP6 protein (p.Ala286Thr). This variant is present in population databases (rs377471604, gnomAD 0.008%). This variant has not been reported in the literature in individuals affected with TUBGCP6-related conditions. ClinVar contains an entry for this variant (Variation ID: 838005). Algorithms developed to predict the effect of missense changes on protein structure and function (SIFT, PolyPhen-2, Align-GVGD) all suggest that this variant is likely to be tolerated. In summary, the available evidence is currently insufficient to determine the role of this variant in disease. Therefore, it has been classified as a Variant of Uncertain Significance.

Institute of Human Genetics, Univ. Regensburg, Univ. Regensburg
Classification: Uncertain significance for Retinal dystrophy. Last evaluated: 2023-01-01. Review status: no assertion criteria provided. Criteria: ACMG Guidelines, 2015. Collection method: clinical testing. Allele origin: germline. Affected: yes. Not counted in ClinVar's aggregate classification.

NM_020461.4(TUBGCP6):c.856G>A (p.Ala286Thr)

Gene: TUBGCP6 (tubulin gamma complex component 6; minus strand). Cytogenetic location: 22q13.33.
Variant type: single nucleotide variant.
Coding change: c.856G>A on transcript NM_020461.4 (MANE Select); coding-DNA position 856, G replaced by A.
Protein change: p.Ala286Thr; replaces alanine 286 with threonine.
Molecular consequence: missense variant.
Genome position (GRCh38, 1-based): chr22:50,240,253, C>T on the plus strand (G>A on the coding strand, the complement: TUBGCP6 is on the minus strand). VCF-style: chr22-50240253-C-T. GRCh37 (hg19) VCF-style: chr22-50678682-C-T.
Other names: short protein forms A286T.
Identifiers: ClinVar variation 838005 (VCV000838005.7), dbSNP rs377471604, ClinGen allele CA10308933.
Genomic context (GRCh38, chr22:50,240,253, plus strand): 5'-AGGGCACACACCAGCCAACTCGCTCCCAGCACCTCCGCTTGCTGGCCTCATAGGTAAGTG[C>T]GGCTTCCCACAGGTCCACGTCTGGGGTCACGCTGGGCTCAGACTGGGAATCAGGAGTCAA-3'
Protein context (NP_065194.3, residues 276-296): VTPDVDLWEA[Ala286Thr]LTYEASKRRC